The following is an entry in ClinVar:

ClinVar aggregate classification (germline): Uncertain significance (1 of 4 stars; one submission).

Submission:

GeneDx
Classification: Uncertain significance. Last evaluated: 2023-05-16. Review status: criteria provided, single submitter. Criteria: GeneDx Variant Classification Process June 2021. Collection method: clinical testing. Allele origin: germline. Affected: yes.
Comment: In-frame duplication of 3 amino acids in a non-repeat region; Not observed at significant frequency in large population cohorts (gnomAD); Has not been previously published as pathogenic or benign to our knowledge

NM_001614.5(ACTG1):c.134_142dup (p.Met47_Gly48insValGlyMet)

Gene: ACTG1 (actin gamma 1; minus strand). Cytogenetic location: 17q25.3.
Variant type: Duplication.
Coding change: c.134_142dup on transcript NM_001614.5 (MANE Select); coding-DNA positions 134 to 142, 9 bases duplicated (TGGGCATGG; older notation c.134_142dupTGGGCATGG).
Protein change: p.Met47_Gly48insValGlyMet.
Molecular consequence: inframe insertion. On other transcripts: non-coding transcript variant (1).
Genome position (GRCh38, 1-based): chr17:81,512,124-81,512,132, CCATGCCCA duplicated on the plus strand (TGGGCATGG on the coding strand, the reverse complement: ACTG1 is on the minus strand); duplicating any 9 consecutive bases within chr17:81,512,124-81,512,137 gives the same sequence; the c. name uses the placement nearest the transcript's 3' end. VCF-style (leftmost placement, unchanged base first): chr17-81512123-C-CCCATGCCCA. GRCh37 (hg19) VCF-style: chr17-79479149-C-CCCATGCCCA.
Other names: c.134_142dup, p.Met47_Gly48insValGlyMet (NM_001199954.3).
Identifiers: ClinVar variation 3343481 (VCV003343481.1).